The following is an entry in ClinVar:

NM_016219.5(MAN1B1):c.1897G>T (p.Val633Phe)

Gene: MAN1B1 (mannosidase alpha class 1B member 1; plus strand). Cytogenetic location: 9q34.3.
Variant type: single nucleotide variant.
Coding change: c.1897G>T on transcript NM_016219.5 (MANE Select); coding-DNA position 1897, G replaced by T.
Protein change: p.Val633Phe; replaces valine 633 with phenylalanine.
Molecular consequence: missense variant. On other transcripts: non-coding transcript variant (2).
Genome position (GRCh38, 1-based): chr9:137,108,388, G>T. VCF-style: chr9-137108388-G-T. GRCh37 (hg19) VCF-style: chr9-140002840-G-T.
Other names: short protein forms V633F.
Identifiers: ClinVar variation 539744 (VCV000539744.6), dbSNP rs777270726, ClinGen allele CA5359512.

ClinVar aggregate classification (germline): Uncertain significance. Review status: criteria provided, multiple submitters, no conflicts (2 of 4 stars). 2 submissions from 2 submitters: Uncertain significance (2). Last evaluated 2022-08-22.

Conditions:
Rafiq syndrome (RAFQS). Identifiers: Orphanet 88616, MedGen C3280127, MONDO:0013624, OMIM 614202.

Allele frequency attached by ClinVar (database versions not stated): gnomAD exomes 0.00001; ExAC 0.00002; TOPMed 0.00003.
gnomAD v4.1: 27 of 1,613,366 alleles (0.0017%); highest among the groups gnomAD compares: African/African-American, 0.0027%; no homozygotes.

Submissions (2):

Labcorp Genetics (formerly Invitae), Labcorp
Classification: Uncertain significance for Rafiq syndrome. Last evaluated: 2022-08-22. Review status: criteria provided, single submitter. Criteria: Invitae Variant Classification Sherloc (09022015). Collection method: clinical testing. Allele origin: germline.
Comment: This sequence change replaces valine, which is neutral and non-polar, with phenylalanine, which is neutral and non-polar, at codon 633 of the MAN1B1 protein (p.Val633Phe). This variant is present in population databases (rs777270726, gnomAD 0.003%). This missense change has been observed in individual(s) with clinical features of MAN1B1-related conditions (Invitae). ClinVar contains an entry for this variant (Variation ID: 539744). Algorithms developed to predict the effect of missense changes on protein structure and function are either unavailable or do not agree on the potential impact of this missense change (SIFT: "Deleterious"; PolyPhen-2: "Probably Damaging"; Align-GVGD: "Class C0"). Algorithms developed to predict the effect of sequence changes on RNA splicing suggest that this variant may disrupt the consensus splice site. In summary, the available evidence is currently insufficient to determine the role of this variant in disease. Therefore, it has been classified as a Variant of Uncertain Significance.

Baylor Genetics
Classification: Uncertain significance for Rafiq syndrome. Review status: criteria provided, single submitter. Criteria: ACMG Guidelines, 2015. Collection method: clinical testing. Allele origin: unknown.